The following is an entry in ClinVar:

NM_000937.5(POLR2A):c.1583C>A (p.Pro528His)

Gene: POLR2A (RNA polymerase II subunit A; plus strand). Cytogenetic location: 17p13.1.
Variant type: single nucleotide variant.
Coding change: c.1583C>A on transcript NM_000937.5 (MANE Select); coding-DNA position 1583, C replaced by A.
Protein change: p.Pro528His; replaces proline 528 with histidine.
Molecular consequence: missense variant.
Genome position (GRCh38, 1-based): chr17:7,499,403, C>A. VCF-style: chr17-7499403-C-A. GRCh37 (hg19) VCF-style: chr17-7402722-C-A.
Other names: short protein forms P528H.
Identifiers: ClinVar variation 4056751 (VCV004056751.1).

ClinVar aggregate classification (germline): Uncertain significance (1 of 4 stars; one submission).

Conditions:
Neurodevelopmental disorder with hypotonia and variable intellectual and behavioral abnormalities. Identifiers: MedGen C5231423, MONDO:0032829, OMIM 618603.

Submission:

Laboratorio de Genetica e Diagnostico Molecular, Hospital Israelita Albert Einstein
Classification: Uncertain significance for Neurodevelopmental disorder with hypotonia and variable intellectual and behavioral abnormalities. Last evaluated: 2024-08-27. Review status: criteria provided, single submitter. Criteria: ACMG Guidelines, 2015. Collection method: clinical testing. Allele origin: germline. Affected: yes.
Comment: ACMG classification criteria: PM2 supporting, PP2 supporting, PP3 supporting